The following is an entry in ClinVar:

NM_021942.6(TRAPPC11):c.349T>C (p.Cys117Arg)

Gene: TRAPPC11 (trafficking protein particle complex subunit 11; plus strand). Cytogenetic location: 4q35.1.
Variant type: single nucleotide variant.
Coding change: c.349T>C on transcript NM_021942.6 (MANE Select); coding-DNA position 349, T replaced by C.
Protein change: p.Cys117Arg; replaces cysteine 117 with arginine.
Molecular consequence: missense variant.
Genome position (GRCh38, 1-based): chr4:183,666,401, T>C. VCF-style: chr4-183666401-T-C. GRCh37 (hg19) VCF-style: chr4-184587554-T-C.
Other names: c.349T>C, p.Cys117Arg (NM_199053.3); short protein forms C117R.
Identifiers: ClinVar variation 1484068 (VCV001484068.8), dbSNP rs2111301611, ClinGen allele CA358859093.

ClinVar aggregate classification (germline): Uncertain significance (1 of 4 stars; one submission).

Conditions:
Autosomal recessive limb-girdle muscular dystrophy type R18 (LGMDR18). Also called: Limb-girdle muscular dystrophy, type 2S; MUSCULAR DYSTROPHY, LIMB-GIRDLE, AUTOSOMAL RECESSIVE 18; Autosomal recessive limb-girdle muscular dystrophy type 2S. Identifiers: Orphanet 369840, MedGen C4517996, MONDO:0014144, OMIM 615356.

Submission:

Labcorp Genetics (formerly Invitae), Labcorp
Classification: Uncertain significance for Autosomal recessive limb-girdle muscular dystrophy type R18. Last evaluated: 2022-05-27. Review status: criteria provided, single submitter. Criteria: Invitae Variant Classification Sherloc (09022015). Collection method: clinical testing. Allele origin: germline.
Comment: This variant has not been reported in the literature in individuals affected with TRAPPC11-related conditions. In summary, the available evidence is currently insufficient to determine the role of this variant in disease. Therefore, it has been classified as a Variant of Uncertain Significance. Algorithms developed to predict the effect of missense changes on protein structure and function are either unavailable or do not agree on the potential impact of this missense change (SIFT: "Deleterious"; PolyPhen-2: "Benign"; Align-GVGD: "Class C0"). This variant is not present in population databases (gnomAD no frequency). This sequence change replaces cysteine, which is neutral and slightly polar, with arginine, which is basic and polar, at codon 117 of the TRAPPC11 protein (p.Cys117Arg).